The following is an entry in ClinVar:

NM_020738.4(KIDINS220):c.3636G>A (p.Val1212=)

Gene: KIDINS220 (kinase D interacting substrate 220; minus strand). Cytogenetic location: 2p25.1.
Variant type: single nucleotide variant.
Coding change: c.3636G>A on transcript NM_020738.4 (MANE Select); coding-DNA position 3636, G replaced by A.
Protein change: p.Val1212=; no amino-acid change (valine 1212 retained).
Molecular consequence: synonymous variant. On other transcripts: non-coding transcript variant (2).
Genome position (GRCh38, 1-based): chr2:8,736,949, C>T on the plus strand (G>A on the coding strand, the complement: KIDINS220 is on the minus strand). VCF-style: chr2-8736949-C-T. GRCh37 (hg19) VCF-style: chr2-8877079-C-T.
Other names: c.3639G>A, p.Val1213= (NM_001348729.2); c.3582G>A, p.Val1194= (NM_001348731.2); c.3579G>A, p.Val1193= (NM_001348732.2, NM_001348738.2); c.3468G>A, p.Val1156= (NM_001348734.2, NM_001348739.2, NM_001348740.2); c.3465G>A, p.Val1155= (NM_001348735.2, NM_001348741.2, NM_001348742.2 and 1 more transcripts); c.3339G>A, p.Val1113= (NM_001348736.2).
Identifiers: ClinVar variation 4998680 (VCV004998680.1).

ClinVar aggregate classification (germline): Likely benign (1 of 4 stars; one submission).

Conditions:
KIDINS220-related disorder. Also called: KIDINS220-related condition.

Submission:

PreventionGenetics, part of Exact Sciences
Classification: Likely benign for KIDINS220-related condition. Last evaluated: 2026-05-18. Review status: criteria provided, single submitter. Criteria: ACMG Guidelines, 2015. Collection method: clinical testing. Allele origin: germline.
Comment: This variant is classified as likely benign based on ACMG/AMP sequence variant interpretation guidelines (Richards et al. 2015 PMID: 25741868, with internal and published modifications).